The following is an entry in ClinVar:

NM_001605.3(AARS1):c.672-10G>T

Gene: AARS1 (alanyl-tRNA synthetase 1; minus strand). Cytogenetic location: 16q22.1.
Variant type: single nucleotide variant.
Coding change: c.672-10G>T on transcript NM_001605.3 (MANE Select); 10 bases into the intron before coding-DNA position 672, G replaced by T.
Molecular consequence: intron variant.
Genome position (GRCh38, 1-based): chr16:70,270,350, C>A on the plus strand (G>T on the coding strand, the complement: AARS1 is on the minus strand). VCF-style: chr16-70270350-C-A. GRCh37 (hg19) VCF-style: chr16-70304253-C-A.
Identifiers: ClinVar variation 3006928 (VCV003006928.3), dbSNP rs2507018156, ClinGen allele CA2634038249.

ClinVar aggregate classification (germline): Uncertain significance (1 of 4 stars; one submission).

Conditions:
Charcot-Marie-Tooth disease type 2. Also called: Charcot-Marie-Tooth type 2. Identifiers: Orphanet 64746, MedGen C0270914, MONDO:0018993.

Allele frequency attached by ClinVar (database versions not stated): gnomAD exomes below 0.00001.
gnomAD v4.1: 4 of 1,614,104 alleles (0.00025%); highest among the groups gnomAD compares: Non-Finnish European, 0.00034%; no homozygotes.

Submission:

Labcorp Genetics (formerly Invitae), Labcorp
Classification: Uncertain significance for Charcot-Marie-Tooth disease type 2. Last evaluated: 2023-08-31. Review status: criteria provided, single submitter. Criteria: Invitae Variant Classification Sherloc (09022015). Collection method: clinical testing. Allele origin: germline.
Comment: In summary, the available evidence is currently insufficient to determine the role of this variant in disease. Therefore, it has been classified as a Variant of Uncertain Significance. Algorithms developed to predict the effect of sequence changes on RNA splicing suggest that this variant may disrupt the consensus splice site. This variant has not been reported in the literature in individuals affected with AARS-related conditions. This variant is not present in population databases (gnomAD no frequency). This sequence change falls in intron 5 of the AARS gene. It does not directly change the encoded amino acid sequence of the AARS protein.